The following is an entry in ClinVar:

NM_002485.5(NBN):c.896+4T>C

Gene: NBN (nibrin; minus strand). Cytogenetic location: 8q21.3.
Variant type: single nucleotide variant.
Coding change: c.896+4T>C on transcript NM_002485.5 (MANE Select); 4 bases into the intron after coding-DNA position 896, T replaced by C.
Molecular consequence: intron variant.
Genome position (GRCh38, 1-based): chr8:89,970,360, A>G on the plus strand (T>C on the coding strand, the complement: NBN is on the minus strand). VCF-style: chr8-89970360-A-G. GRCh37 (hg19) VCF-style: chr8-90982588-A-G.
Other names: c.650+4T>C (NM_001024688.3).
Identifiers: ClinVar variation 231622 (VCV000231622.25), dbSNP rs190843577, ClinGen allele CA4802874.
Genomic context (GRCh38, chr8:89,970,360, plus strand): 5'-CAAAAAAGGTTAAACATAAAATCTCCTACTTGCAGTTTTTTACTAATAAAGAATAATTCT[A>G]TACCTTTGGAGCATATCCATTATTGACTGAATCCATTTCTTCTGACAGTCAGGAATTAAG-3'

ClinVar aggregate classification (germline): Benign/Likely benign. Review status: criteria provided, multiple submitters, no conflicts (2 of 4 stars). 6 submissions from 6 submitters: Benign (1); Likely benign (4). 1 of the submissions does not count toward it. Last evaluated 2025-08-02.

Conditions:
Hereditary cancer-predisposing syndrome. Also called: Neoplastic Syndromes, Hereditary; Hereditary Cancer Syndrome; Tumor predisposition; Hereditary neoplastic syndrome. Identifiers: Orphanet 140162, MedGen C0027672, MeSH D009386, MONDO:0015356.
Microcephaly, normal intelligence and immunodeficiency (NBS). Also called: IMMUNODEFICIENCY, MICROCEPHALY, AND CHROMOSOMAL INSTABILITY; SEEMANOVA SYNDROME II; Immunodeficiency, microcephaly with normal intelligence; BERLIN BREAKAGE SYNDROME; Nijmegen breakage syndrome; Microcephaly with normal intelligence immunodeficiency and lymphoreticular malignancies. Identifiers: Orphanet 647, MedGen C0398791, MONDO:0009623, OMIM 251260.

Allele frequency attached by ClinVar (database versions not stated): TOPMed 0.00001; gnomAD exomes 0.00028 and 0.00065; 1000 Genomes Project 30x 0.00031; 1000 Genomes Project 0.00040; ExAC 0.00047; gnomAD 0.00050 and 0.00054.
gnomAD v4.1: 473 of 1,598,900 alleles (0.03%); highest among the groups gnomAD compares: Non-Finnish European, 0.0033%; 4 homozygotes.

Submissions (6):

Labcorp Genetics (formerly Invitae), Labcorp
Classification: Likely benign for Microcephaly, normal intelligence and immunodeficiency. Last evaluated: 2025-08-02. Review status: criteria provided, single submitter. Criteria: Invitae Variant Classification Sherloc (09022015). Collection method: clinical testing. Allele origin: germline.

Blueprint Genetics
Classification: Likely benign. Last evaluated: 2024-10-09. Review status: criteria provided, single submitter. Criteria: ACMG Guidelines, 2015. Collection method: clinical testing. Allele origin: germline.

Quest Diagnostics Nichols Institute San Juan Capistrano
Classification: Benign. Last evaluated: 2020-11-11. Review status: criteria provided, single submitter. Criteria: Quest Diagnostics criteria. Collection method: clinical testing. Allele origin: unknown.

Ambry Genetics
Classification: Likely benign for Hereditary cancer-predisposing syndrome. Last evaluated: 2019-03-26. Review status: criteria provided, single submitter. Criteria: Ambry Variant Classification Scheme 2023. Collection method: clinical testing. Allele origin: germline.

GeneDx
Classification: Likely benign. Last evaluated: 2015-11-30. Review status: criteria provided, single submitter. Criteria: GeneDx Variant Classification (06012015). Collection method: clinical testing. Allele origin: germline. Affected: yes.
Comment: This variant is considered likely benign or benign based on one or more of the following criteria: it is a conservative change, it occurs at a poorly conserved position in the protein, it is predicted to be benign by multiple in silico algorithms, and/or has population frequency not consistent with disease.

Natera, Inc.
Classification: Likely benign for Nijmegen breakage syndrome. Last evaluated: 2020-10-30. Review status: no assertion criteria provided. Collection method: clinical testing. Allele origin: germline. Not counted in ClinVar's aggregate classification.